The following is an entry in ClinVar:

NM_004168.4(SDHA):c.1381G>T (p.Val461Phe)

Gene: SDHA (succinate dehydrogenase complex flavoprotein subunit A; plus strand). Cytogenetic location: 5p15.33.
Variant type: single nucleotide variant.
Coding change: c.1381G>T on transcript NM_004168.4 (MANE Select); coding-DNA position 1381, G replaced by T.
Protein change: p.Val461Phe; replaces valine 461 with phenylalanine.
Molecular consequence: missense variant.
Genome position (GRCh38, 1-based): chr5:236,548, G>T. VCF-style: chr5-236548-G-T. GRCh37 (hg19) VCF-style: chr5-236663-G-T.
Other names: c.1237G>T, p.Val413Phe (NM_001294332.2); c.1381G>T, p.Val461Phe (NM_001330758.2); short protein forms V461F, V413F.
Identifiers: ClinVar variation 819065 (VCV000819065.16), dbSNP rs373021394, ClinGen allele CA112826935.

ClinVar aggregate classification (germline): Uncertain significance. Review status: criteria provided, multiple submitters, no conflicts (2 of 4 stars). 3 submissions from 3 submitters: Uncertain significance (3). Last evaluated 2026-01-03.

Conditions:
Dilated cardiomyopathy 1GG (CMD1GG). Identifiers: Orphanet 154, MedGen C3150898, MONDO:0013339, OMIM 613642.
Pheochromocytoma/paraganglioma syndrome 5. Also called: Paragangliomas 5; SDHA-Related Hereditary Paraganglioma-Pheochromocytoma Syndrome. Identifiers: Orphanet 29072, MedGen C3279992, MONDO:0013602, OMIM 614165.
Mitochondrial complex II deficiency, nuclear type 1. Also called: SUCCINATE CoQ REDUCTASE DEFICIENCY. Identifiers: Orphanet 3208, MedGen C5700310, MONDO:0100294, OMIM 252011.
Hereditary cancer-predisposing syndrome. Also called: Tumor predisposition; Hereditary neoplastic syndrome; Neoplastic Syndromes, Hereditary; Hereditary Cancer Syndrome. Identifiers: Orphanet 140162, MedGen C0027672, MeSH D009386, MONDO:0015356.

Allele frequency attached by ClinVar (database versions not stated): TOPMed 0.00001; ESP Exome Variant Server 0.00008; gnomAD 0.00001.
gnomAD v4.1: 2 of 1,613,936 alleles (0.00012%); highest among the groups gnomAD compares: African/African-American, 0.0013%; no homozygotes.

Submissions (3):

Labcorp Genetics (formerly Invitae), Labcorp
Classification: Uncertain significance for Pheochromocytoma/paraganglioma syndrome 5; Mitochondrial complex II deficiency, nuclear type 1. Last evaluated: 2026-01-03. Review status: criteria provided, single submitter. Criteria: Invitae Variant Classification Sherloc (09022015). Collection method: clinical testing. Allele origin: germline.
Comment: This sequence change replaces valine, which is neutral and non-polar, with phenylalanine, which is neutral and non-polar, at codon 461 of the SDHA protein (p.Val461Phe). This variant is not present in population databases (gnomAD no frequency). This variant has not been reported in the literature in individuals affected with SDHA-related conditions. ClinVar contains an entry for this variant (Variation ID: 819065). Invitae Evidence Modeling of protein sequence and biophysical properties (such as structural, functional, and spatial information, amino acid conservation, physicochemical variation, residue mobility, and thermodynamic stability) has been performed for this missense variant. However, the output from this modeling did not meet the statistical confidence thresholds required to predict the impact of this variant on SDHA protein function. In summary, the available evidence is currently insufficient to determine the role of this variant in disease. Therefore, it has been classified as a Variant of Uncertain Significance.

Ambry Genetics
Classification: Uncertain significance for Hereditary cancer-predisposing syndrome. Last evaluated: 2024-06-11. Review status: criteria provided, single submitter. Criteria: Ambry Variant Classification Scheme 2023. Collection method: clinical testing. Allele origin: germline.
Comment: The p.V461F variant (also known as c.1381G>T), located in coding exon 10 of the SDHA gene, results from a G to T substitution at nucleotide position 1381. The valine at codon 461 is replaced by phenylalanine, an amino acid with highly similar properties. This amino acid position is highly conserved in available vertebrate species. In addition, this alteration is predicted to be deleterious by in silico analysis. Based on the available evidence, the clinical significance of this variant remains unclear.

Baylor Genetics
Classification: Uncertain significance for Dilated cardiomyopathy 1GG. Last evaluated: 2023-12-04. Review status: criteria provided, single submitter. Criteria: ACMG Guidelines, 2015. Collection method: clinical testing. Allele origin: unknown.